The following is an entry in ClinVar:

ClinVar aggregate classification (germline): Uncertain significance (1 of 4 stars; one submission).

Submission:

Labcorp Genetics (formerly Invitae), Labcorp
Classification: Uncertain significance. Last evaluated: 2025-08-15. Review status: criteria provided, single submitter. Criteria: Invitae Variant Classification Sherloc (09022015). Collection method: clinical testing. Allele origin: germline.
Comment: This sequence change replaces leucine, which is neutral and non-polar, with valine, which is neutral and non-polar, at codon 518 of the ERBIN protein (p.Leu518Val). This variant is present in population databases (rs775307556, gnomAD 0.006%). This variant has not been reported in the literature in individuals affected with ERBIN-related conditions. ClinVar contains an entry for this variant (Variation ID: 1926237). An algorithm developed to predict the effect of missense changes on protein structure and function outputs the following: PolyPhen-2: "Benign". The valine amino acid residue is found in multiple mammalian species, which suggests that this missense change does not adversely affect protein function. In summary, the available evidence is currently insufficient to determine the role of this variant in disease. Therefore, it has been classified as a Variant of Uncertain Significance.

NM_001253697.2(ERBIN):c.1552T>G (p.Leu518Val)

Gene: ERBIN (erbb2 interacting protein; plus strand). Cytogenetic location: 5q12.3.
Variant type: single nucleotide variant.
Coding change: c.1552T>G on transcript NM_001253697.2 (MANE Select); coding-DNA position 1552, T replaced by G.
Protein change: p.Leu518Val; replaces leucine 518 with valine.
Molecular consequence: missense variant.
Genome position (GRCh38, 1-based): chr5:66,044,260, T>G. VCF-style: chr5-66044260-T-G. GRCh37 (hg19) VCF-style: chr5-65340088-T-G.
Other names: c.1552T>G, p.Leu518Val (NM_001006600.3, NM_001253698.2, NM_001253699.2 and 2 more transcripts); short protein forms L518V.
Identifiers: ClinVar variation 1926237 (VCV001926237.5), dbSNP rs775307556, ClinGen allele CA3286279.
Genomic context (GRCh38, chr5:66,044,260, plus strand): 5'-GTTCAAACCATTGTACATAGATTAAAAGATGAAGAGACCAATGAAGACTCAGGAAGAGAT[T>G]TGAAACCACATGAAGATCAACAAGATATAAATAAAGATGTGGGTGTGAAGGTTAGAAAAT-3'
Protein context (NP_001240626.1, residues 508-528): EETNEDSGRD[Leu518Val]KPHEDQQDIN